The following is an entry in ClinVar:

ClinVar aggregate classification (germline): Benign. Review status: criteria provided, multiple submitters, no conflicts (2 of 4 stars). 2 submissions from 2 submitters: Benign (2). Last evaluated 2018-01-13.

Conditions:
Premature ovarian failure 2B. Identifiers: MedGen C1845105, MONDO:0010373, OMIM 300604.

Allele frequency attached by ClinVar (database versions not stated): TOPMed 0.00031; gnomAD 0.00032 and 0.00048; gnomAD exomes 0.00049 and 0.00100; ExAC 0.00139; 1000 Genomes Project 30x 0.00250; 1000 Genomes Project 0.00291.
gnomAD v4.1: 601 of 1,181,604 alleles (0.051%); highest among the groups gnomAD compares: East Asian, 0.69%; 2 homozygotes.

Submissions (2):

Illumina Laboratory Services, Illumina
Classification: Benign for Premature ovarian failure 2B. Last evaluated: 2018-01-13. Review status: criteria provided, single submitter. Criteria: ICSL Variant Classification Criteria 13 December 2019. Collection method: clinical testing. Allele origin: germline.
Comment: This variant was observed in the ICSL laboratory as part of a predisposition screen in an ostensibly healthy population. It had not been previously curated by ICSL or reported in the Human Gene Mutation Database (HGMD: prior to June 1st, 2018), and was therefore a candidate for classification through an automated scoring system. Utilizing variant allele frequency, disease prevalence and penetrance estimates, and inheritance mode, an automated score was calculated to assess if this variant is too frequent to cause the disease. Based on the score and internal cut-off values, a variant classified as benign is not then subjected to further curation. The score for this variant resulted in a classification of benign for this disease.

Labcorp Genetics (formerly Invitae), Labcorp
Classification: Benign. Last evaluated: 2017-10-17. Review status: criteria provided, single submitter. Criteria: Invitae Variant Classification Sherloc (09022015). Collection method: clinical testing. Allele origin: germline.

NM_024921.4(POF1B):c.1764+3A>G

Gene: POF1B (POF1B actin binding protein; minus strand). Cytogenetic location: Xq21.1.
Variant type: single nucleotide variant.
Coding change: c.1764+3A>G on transcript NM_024921.4 (MANE Select); 3 bases into the intron after coding-DNA position 1764, A replaced by G.
Molecular consequence: intron variant. On other transcripts: synonymous variant (1).
Genome position (GRCh38, 1-based): chrX:85,282,200, T>C on the plus strand (A>G on the coding strand, the complement: POF1B is on the minus strand). VCF-style: chrX-85282200-T-C. GRCh37 (hg19) VCF-style: chrX-84537206-T-C.
Other names: c.1767A>G, p.Val589= (NM_001307940.2).
Identifiers: ClinVar variation 726031 (VCV000726031.7), dbSNP rs746894881, ClinGen allele CA10464894.